The following is an entry in ClinVar:

ClinVar aggregate classification (germline): Uncertain significance (1 of 4 stars; one submission).

Conditions:
Hereditary cancer-predisposing syndrome. Also called: Hereditary Cancer Syndrome; Hereditary neoplastic syndrome; Neoplastic Syndromes, Hereditary; Tumor predisposition. Identifiers: Orphanet 140162, MedGen C0027672, MeSH D009386, MONDO:0015356.

Allele frequency attached by ClinVar (database versions not stated): gnomAD exomes below 0.00001.
gnomAD v4.1: 1 of 1,614,040 alleles (0.000062%); highest among the groups gnomAD compares: Non-Finnish European, 0.000085%; no homozygotes.

Submission:

Ambry Genetics
Classification: Uncertain significance for Hereditary cancer-predisposing syndrome. Last evaluated: 2018-04-19. Review status: criteria provided, single submitter. Criteria: Ambry Variant Classification Scheme 2023. Collection method: clinical testing. Allele origin: germline.
Comment: The p.H458Y variant (also known as c.1372C>T), located in coding exon 4 of the MSH6 gene, results from a C to T substitution at nucleotide position 1372. The histidine at codon 458 is replaced by tyrosine, an amino acid with similar properties. This amino acid position is highly conserved in available vertebrate species. In addition, this alteration is predicted to be deleterious by in silico analysis. In addition, the CoDP in silico tool predicts this alteration to have minor impact on molecular function, with a score of 0.009 (Terui H et al. J. Biomed. Sci. 2013 Apr;20:25). Since supporting evidence is limited at this time, the clinical significance of this alteration remains unclear.

NM_000179.3(MSH6):c.1372C>T (p.His458Tyr)

Gene: MSH6 (mutS homolog 6; plus strand). Cytogenetic location: 2p16.3.
Variant type: single nucleotide variant.
Coding change: c.1372C>T on transcript NM_000179.3 (MANE Select); coding-DNA position 1372, C replaced by T.
Protein change: p.His458Tyr; replaces histidine 458 with tyrosine.
Molecular consequence: missense variant.
Genome position (GRCh38, 1-based): chr2:47,799,355, C>T. VCF-style: chr2-47799355-C-T. GRCh37 (hg19) VCF-style: chr2-48026494-C-T.
Other names: c.847C>T, p.His283Tyr (NM_001406799.1, NM_001406806.1, NM_001406807.1); c.1294C>T, p.His432Tyr (NM_001406804.1); c.1372C>T, p.His458Tyr (NM_001406800.1, NM_001406803.1, NM_001406796.1 and 4 more transcripts); c.1075C>T, p.His359Tyr (NM_001406801.1, NM_001406805.1, NM_001406797.1 and 10 more transcripts); c.1468C>T, p.His490Tyr (NM_001406802.1, NM_001406795.1); c.982C>T, p.His328Tyr (NM_001281492.2); c.466C>T, p.His156Tyr (NM_001281493.2, NM_001281494.2, NM_001406811.1 and 6 more transcripts); c.1378C>T, p.His460Tyr (NM_001406813.1); and 1 more; short protein forms H156Y, H283Y, H328Y, H359Y, H402Y, H458Y, H432Y, H460Y.
Identifiers: ClinVar variation 1771077 (VCV001771077.2), dbSNP rs1669325562, ClinGen allele CA346744916.
Genomic context (GRCh38, chr2:47,799,355, plus strand): 5'-ATGGATGCTCTTATTGGAGTCAGTGAACTGGGGCTGGTATTCATGAAAGGCAACTGGGCC[C>T]ATTCTGGCTTTCCTGAAATTGCATTTGGCCGTTATTCAGATTCCCTGGTGCAGAAGGGCT-3'
Protein context (NP_000170.1, residues 448-468): GLVFMKGNWA[His458Tyr]SGFPEIAFGR